The following is an entry in ClinVar:

ClinVar aggregate classification (germline): Uncertain significance (1 of 4 stars; one submission).

Submission:

Labcorp Genetics (formerly Invitae), Labcorp
Classification: Uncertain significance. Last evaluated: 2025-10-29. Review status: criteria provided, single submitter. Criteria: Invitae Variant Classification Sherloc (09022015). Collection method: clinical testing. Allele origin: germline.
Comment: This variant, c.1491_1508dup, results in the insertion of 6 amino acid(s) of the IRF2BP2 protein (p.Ala499_Leu504dup), but otherwise preserves the integrity of the reading frame. This variant is present in population databases (no rsID available, gnomAD 0.004%). This variant has not been reported in the literature in individuals affected with IRF2BP2-related conditions. ClinVar contains an entry for this variant (Variation ID: 2983923). In summary, the available evidence is currently insufficient to determine the role of this variant in disease. Therefore, it has been classified as a Variant of Uncertain Significance.

NM_182972.3(IRF2BP2):c.1491_1508dup (p.Leu504_Cys505insAlaThrSerAlaProLeu)

Gene: IRF2BP2 (interferon regulatory factor 2 binding protein 2; minus strand). Cytogenetic location: 1q42.3.
Variant type: Duplication.
Coding change: c.1491_1508dup on transcript NM_182972.3 (MANE Select); coding-DNA positions 1491 to 1508, 18 bases duplicated (TCTGGCAACCAGTGCCCC).
Protein change: p.Leu504_Cys505insAlaThrSerAlaProLeu.
Molecular consequence: inframe insertion.
Genome position (GRCh38, 1-based): chr1:234,607,393-234,607,410, GGGGCACTGGTTGCCAGA duplicated on the plus strand (TCTGGCAACCAGTGCCCC on the coding strand, the reverse complement: IRF2BP2 is on the minus strand); duplicating any 18 consecutive bases within chr1:234,607,393-234,607,411 gives the same sequence; the c. name uses the placement nearest the transcript's 3' end. VCF-style (leftmost placement, unchanged base first): chr1-234607392-C-CGGGGCACTGGTTGCCAGA. GRCh37 (hg19) VCF-style: chr1-234743138-C-CGGGGCACTGGTTGCCAGA.
Other names: c.1443_1460dup, p.Leu488_Cys489insAlaThrSerAlaProLeu (NM_001077397.1).
Identifiers: ClinVar variation 2983923 (VCV002983923.3), dbSNP rs1235442499, ClinGen allele CA424049402.
Genomic context (GRCh38, chr1:234,607,392, plus strand): 5'-GGACGGGCACTGCACAAAATGGGTGTCCTCCAGCCGCTCGTGGCAGAGGGTGCAGCACAG[C>CGGGGCACTGGTTGCCAGA]GGGGCACTGGTTGCCAGAGAGGAGTCCGGGAGGCTGGCAGGGTGCACTGGCTCCAGTCCT-3'